The following is an entry in ClinVar:

ClinVar aggregate classification (germline): Pathogenic (1 of 4 stars; one submission).

Allele frequency attached by ClinVar (database versions not stated): gnomAD exomes below 0.00001; gnomAD 0.00001; TOPMed 0.00001; ExAC 0.00003; ESP Exome Variant Server 0.00008.
gnomAD v4.1: 7 of 1,613,852 alleles (0.00043%); highest among the groups gnomAD compares: African/African-American, 0.004%; no homozygotes.

Submission:

Labcorp Genetics (formerly Invitae), Labcorp
Classification: Pathogenic. Last evaluated: 2023-09-29. Review status: criteria provided, single submitter. Criteria: Invitae Variant Classification Sherloc (09022015). Collection method: clinical testing. Allele origin: germline.
Comment: For these reasons, this variant has been classified as Pathogenic. This variant has not been reported in the literature in individuals affected with CEP152-related conditions. This variant is present in population databases (rs367936668, gnomAD 0.01%). This sequence change creates a premature translational stop signal (p.Arg1235*) in the CEP152 gene. It is expected to result in an absent or disrupted protein product. Loss-of-function variants in CEP152 are known to be pathogenic (PMID: 21131973).

Literature cited by the submitters: PubMed 21131973.

NM_001194998.2(CEP152):c.3871C>T (p.Arg1291Ter)

Gene: CEP152 (centrosomal protein 152; minus strand). Cytogenetic location: 15q21.1.
Variant type: single nucleotide variant.
Coding change: c.3871C>T on transcript NM_001194998.2 (MANE Select); coding-DNA position 3871, C replaced by T.
Protein change: p.Arg1291Ter; replaces arginine 1291 with a stop codon.
Molecular consequence: nonsense.
Genome position (GRCh38, 1-based): chr15:48,742,065, G>A on the plus strand (C>T on the coding strand, the complement: CEP152 is on the minus strand). VCF-style: chr15-48742065-G-A. GRCh37 (hg19) VCF-style: chr15-49034262-G-A.
Other names: c.3703C>T, p.Arg1235Ter (NM_014985.4); short protein forms R1235*, R1291*.
Identifiers: ClinVar variation 2780515 (VCV002780515.3), dbSNP rs367936668, ClinGen allele CA7548241.
Genomic context (GRCh38, chr15:48,742,065, plus strand): 5'-TCTTTCGGGCGGTTTCTTGACGTTCTCGCAGTACCTCTGCTTTTACCATTTCTGCAGCTC[G>A]TTCCTTACTCTCCTGAATATAACGAAGCATGTCACCTATAGGGAAGTGAGAAAATGCCCA-3'